The following is an entry in ClinVar:

ClinVar aggregate classification (germline): Likely benign. Review status: criteria provided, multiple submitters, no conflicts (2 of 4 stars). 2 submissions from 2 submitters: Likely benign (2). Last evaluated 2025-12-23.

Conditions:
Pheochromocytoma/paraganglioma syndrome 5. Also called: Paragangliomas 5; SDHA-Related Hereditary Paraganglioma-Pheochromocytoma Syndrome. Identifiers: Orphanet 29072, MedGen C3279992, MONDO:0013602, OMIM 614165.
Mitochondrial complex II deficiency, nuclear type 1. Also called: SUCCINATE CoQ REDUCTASE DEFICIENCY. Identifiers: Orphanet 3208, MedGen C5700310, MONDO:0100294, OMIM 252011.

Allele frequency attached by ClinVar (database versions not stated): gnomAD exomes below 0.00001; ExAC 0.00001; gnomAD 0.00001; TOPMed 0.00001.
gnomAD v4.1: 2 of 1,606,982 alleles (0.00012%); highest among the groups gnomAD compares: African/African-American, 0.0027%; no homozygotes.

Submissions (2):

Labcorp Genetics (formerly Invitae), Labcorp
Classification: Likely benign for Pheochromocytoma/paraganglioma syndrome 5; Mitochondrial complex II deficiency, nuclear type 1. Last evaluated: 2025-12-23. Review status: criteria provided, single submitter. Criteria: Invitae Variant Classification Sherloc (09022015). Collection method: clinical testing. Allele origin: germline.

Myriad Genetics, Inc.
Classification: Likely benign for Pheochromocytoma/paraganglioma syndrome 5. Last evaluated: 2025-03-10. Review status: criteria provided, single submitter. Criteria: Myriad Autosomal Dominant, Autosomal Recessive and X-Linked Classification Criteria (2023). Collection method: clinical testing. Allele origin: unknown.
Comment: This variant is considered likely benign. This variant is intronic and is not expected to impact mRNA splicing.

NM_004168.4(SDHA):c.1552-14A>G

Gene: SDHA (succinate dehydrogenase complex flavoprotein subunit A; plus strand). Cytogenetic location: 5p15.33.
Variant type: single nucleotide variant.
Coding change: c.1552-14A>G on transcript NM_004168.4 (MANE Select); 14 bases into the intron before coding-DNA position 1552, A replaced by G.
Molecular consequence: intron variant.
Genome position (GRCh38, 1-based): chr5:250,978, A>G. VCF-style: chr5-250978-A-G. GRCh37 (hg19) VCF-style: chr5-251093-A-G.
Other names: c.1552-3415A>G (NM_001330758.2); c.1408-14A>G (NM_001294332.2).
Identifiers: ClinVar variation 1589079 (VCV001589079.9), dbSNP rs762315793, ClinGen allele CA3173295.